The following is an entry in ClinVar:

ClinVar aggregate classification (germline): Uncertain significance (1 of 4 stars; one submission).

Conditions:
Hereditary cancer-predisposing syndrome. Also called: Hereditary Cancer Syndrome; Hereditary neoplastic syndrome; Neoplastic Syndromes, Hereditary; Tumor predisposition. Identifiers: Orphanet 140162, MedGen C0027672, MeSH D009386, MONDO:0015356.

Submission:

Labcorp Genetics (formerly Invitae), Labcorp
Classification: Uncertain significance for Hereditary cancer-predisposing syndrome. Last evaluated: 2019-11-30. Review status: criteria provided, single submitter. Criteria: Invitae Variant Classification Sherloc (09022015). Collection method: clinical testing. Allele origin: germline.
Comment: In summary, this variant is a novel missense change that is not predicted to affect protein function. There is no indication that it causes disease, but the available evidence is currently insufficient to prove that conclusively. Therefore, it has been classified as a Variant of Uncertain Significance. Algorithms developed to predict the effect of missense changes on protein structure and function (SIFT, PolyPhen-2, Align-GVGD) all suggest that this variant is likely to be tolerated, but these predictions have not been confirmed by published functional studies. This variant is not present in population databases (ExAC no frequency) and has not been reported in the literature in individuals with a RAD50-related disease. This sequence change replaces arginine with threonine at codon 617 of the RAD50 protein (p.Arg617Thr). The arginine residue is weakly conserved and there is a moderate physicochemical difference between arginine and threonine.

NM_005732.4(RAD50):c.1850G>C (p.Arg617Thr)

Gene: RAD50 (RAD50 double strand break repair protein; plus strand). Cytogenetic location: 5q31.1.
Variant type: single nucleotide variant.
Coding change: c.1850G>C on transcript NM_005732.4 (MANE Select); coding-DNA position 1850, G replaced by C.
Protein change: p.Arg617Thr; replaces arginine 617 with threonine.
Molecular consequence: missense variant.
Genome position (GRCh38, 1-based): chr5:132,594,925, G>C. VCF-style: chr5-132594925-G-C. GRCh37 (hg19) VCF-style: chr5-131930617-G-C.
Other names: short protein forms R617T.
Identifiers: ClinVar variation 408385 (VCV000408385.12), dbSNP rs1060501959, ClinGen allele CA16611770.